The following is an entry in ClinVar:

ClinVar aggregate classification (germline): Uncertain significance (1 of 4 stars; one submission).

Conditions:
Cardiovascular phenotype. Identifiers: MedGen CN230736.

Submission:

Ambry Genetics
Classification: Uncertain significance for Cardiovascular phenotype. Last evaluated: 2021-07-01. Review status: criteria provided, single submitter. Criteria: Ambry Variant Classification Scheme 2023. Collection method: clinical testing. Allele origin: germline.
Comment: The p.P398A variant (also known as c.1192C>G), located in coding exon 9 of the SOS2 gene, results from a C to G substitution at nucleotide position 1192. The proline at codon 398 is replaced by alanine, an amino acid with highly similar properties. This amino acid position is conserved. In addition, the in silico prediction for this alteration is inconclusive. Since supporting evidence is limited at this time, the clinical significance of this alteration remains unclear.

NM_006939.4(SOS2):c.1192C>G (p.Pro398Ala)

Gene: SOS2 (SOS Ras/Rho guanine nucleotide exchange factor 2; minus strand). Cytogenetic location: 14q21.3.
Variant type: single nucleotide variant.
Coding change: c.1192C>G on transcript NM_006939.4 (MANE Select); coding-DNA position 1192, C replaced by G.
Protein change: p.Pro398Ala; replaces proline 398 with alanine.
Molecular consequence: missense variant.
Genome position (GRCh38, 1-based): chr14:50,161,486, G>C on the plus strand (C>G on the coding strand, the complement: SOS2 is on the minus strand). VCF-style: chr14-50161486-G-C. GRCh37 (hg19) VCF-style: chr14-50628204-G-C.
Other names: c.1093C>G, p.Pro365Ala (NM_001411020.1); short protein forms P365A, P398A.
Identifiers: ClinVar variation 1745232 (VCV001745232.2), dbSNP rs2503001933, ClinGen allele CA389646368.
Genomic context (GRCh38, chr14:50,161,486, plus strand): 5'-CATCAGAGACAGCGAAGTAAGCAGAGGCATTCACGTTTTCAACACTTTGGAATTACCCAG[G>C]TCGACGTCTAGGTGAATACTGCTTGTAAATTCGGTCCATGCTACCTTGGAGATTCATGAG-3'
Protein context (NP_008870.2, residues 388-408): IYKQYSPRRR[Pro398Ala]GDPVCPFYSH